The following is an entry in ClinVar:

NM_001354604.2(MITF):c.1310A>G (p.Gln437Arg)

Gene: MITF (melanocyte inducing transcription factor; plus strand). Cytogenetic location: 3p13.
Variant type: single nucleotide variant.
Coding change: c.1310A>G on transcript NM_001354604.2 (MANE Select); coding-DNA position 1310, A replaced by G.
Protein change: p.Gln437Arg; replaces glutamine 437 with arginine.
Molecular consequence: missense variant.
Genome position (GRCh38, 1-based): chr3:69,964,977, A>G. VCF-style: chr3-69964977-A-G. GRCh37 (hg19) VCF-style: chr3-70014128-A-G.
Other names: c.989A>G, p.Gln330Arg (NM_000248.4); c.1136A>G, p.Gln379Arg (NM_001184967.2, NM_001354608.2); c.1307A>G, p.Gln436Arg (NM_001354605.2); c.1289A>G, p.Gln430Arg (NM_001354606.2, NM_006722.3); c.1241A>G, p.Gln414Arg (NM_001354607.2); c.971A>G, p.Gln324Arg (NM_198158.3); c.1292A>G, p.Gln431Arg (NM_198159.3); c.1244A>G, p.Gln415Arg (NM_198177.3); and 1 more; short protein forms Q268R, Q324R, Q330R, Q379R, Q414R, Q415R, Q430R, Q431R.
Identifiers: ClinVar variation 3751611 (VCV003751611.4).

ClinVar aggregate classification (germline): Uncertain significance. Review status: criteria provided, multiple submitters, no conflicts (2 of 4 stars). 3 submissions from 3 submitters: Uncertain significance (3). Last evaluated 2026-02-11.

Conditions:
Tietz syndrome (TADS). Also called: HYPOPIGMENTATION/DEAFNESS OF TIETZ; TIETZ ALBINISM-DEAFNESS SYNDROME; ALBINISM-DEAFNESS OF TIETZ. Identifiers: Orphanet 42665, MedGen C0391816, MONDO:0007077, OMIM 103500.
Waardenburg syndrome type 2A (WS2A). Also called: WAARDENBURG SYNDROME WITHOUT DYSTOPIA CANTHORUM. Identifiers: Orphanet 3440, MedGen C1860339, MONDO:0008671, OMIM 193510.
Melanoma, cutaneous malignant, susceptibility to, 8. Also called: MELANOMA AND RENAL CELL CARCINOMA, SUSCEPTIBILITY TO; Cutaneous malignant melanoma 8. Identifiers: Orphanet 293822, MedGen C3152204, MONDO:0013759, OMIM 614456.
Hereditary cancer-predisposing syndrome. Also called: Hereditary neoplastic syndrome; Tumor predisposition; Hereditary Cancer Syndrome; Neoplastic Syndromes, Hereditary. Identifiers: Orphanet 140162, MedGen C0027672, MeSH D009386, MONDO:0015356.

Submissions (3):

St. Jude Molecular Pathology, St. Jude Children's Research Hospital
Classification: Uncertain significance for Melanoma, cutaneous malignant, susceptibility to, 8. Last evaluated: 2026-02-11. Review status: criteria provided, single submitter. Criteria: St. Jude Assertion Criteria 2020. Collection method: clinical testing. Allele origin: germline.
Comment: The MITF c.1292A>G p.(Gln431Arg) missense is absent in gnomAD v2.1.1. The in silico tool REVEL predicts a benign effect on protein function, but to our knowledge this prediction has not been confirmed by functional studies. To our knowledge, this variant has not been reported in the literature in individuals with melanoma or renal cell carcinoma. In summary, the evidence currently available is insufficient to determine the clinical significance of this variant. It has therefore been classified as of uncertain significance.

Ambry Genetics
Classification: Uncertain significance for Hereditary cancer-predisposing syndrome. Last evaluated: 2025-01-04. Review status: criteria provided, single submitter. Criteria: Ambry Variant Classification Scheme 2023. Collection method: clinical testing. Allele origin: germline.
Comment: The p.Q330R variant (also known as c.989A>G), located in coding exon 9 of the MITF gene, results from an A to G substitution at nucleotide position 989. The glutamine at codon 330 is replaced by arginine, an amino acid with highly similar properties. This amino acid position is conserved. In addition, this alteration is predicted to be tolerated by in silico analysis. Based on the available evidence, the clinical significance of this variant remains unclear.

Labcorp Genetics (formerly Invitae), Labcorp
Classification: Uncertain significance for Melanoma, cutaneous malignant, susceptibility to, 8; Waardenburg syndrome type 2A; Tietz syndrome. Last evaluated: 2024-12-25. Review status: criteria provided, single submitter. Criteria: Invitae Variant Classification Sherloc (09022015). Collection method: clinical testing. Allele origin: germline.
Comment: This sequence change replaces glutamine, which is neutral and polar, with arginine, which is basic and polar, at codon 330 of the MITF protein (p.Gln330Arg). This variant is not present in population databases (gnomAD no frequency). This variant has not been reported in the literature in individuals affected with MITF-related conditions. Invitae Evidence Modeling of protein sequence and biophysical properties (such as structural, functional, and spatial information, amino acid conservation, physicochemical variation, residue mobility, and thermodynamic stability) indicates that this missense variant is not expected to disrupt MITF protein function with a negative predictive value of 80%. In summary, the available evidence is currently insufficient to determine the role of this variant in disease. Therefore, it has been classified as a Variant of Uncertain Significance.